The following is an entry in ClinVar:

ClinVar aggregate classification (germline): Benign/Likely benign. Review status: criteria provided, multiple submitters, no conflicts (2 of 4 stars). 5 submissions from 5 submitters: Benign (1); Likely benign (4). Last evaluated 2025-12-28.

Conditions:
Hereditary cancer-predisposing syndrome. Also called: Hereditary neoplastic syndrome; Hereditary Cancer Syndrome; Tumor predisposition; Neoplastic Syndromes, Hereditary. Identifiers: Orphanet 140162, MedGen C0027672, MeSH D009386, MONDO:0015356.
Classic or attenuated familial adenomatous polyposis. Identifiers: MedGen CN372698, MONDO:0021057.
Familial adenomatous polyposis 1 (FAP1). Also called: FAMILIAL ADENOMATOUS POLYPOSIS 1, ATTENUATED; POLYPOSIS, ADENOMATOUS INTESTINAL. Identifiers: MedGen C2713442, MONDO:0021056, OMIM 175100. Disease mechanism: loss of function.

Allele frequency attached by ClinVar (database versions not stated): gnomAD exomes below 0.00001.
gnomAD v4.1: 1 of 1,613,190 alleles (0.000062%); highest among the groups gnomAD compares: Admixed American, 0.0017%; no homozygotes.

Submissions (5):

Labcorp Genetics (formerly Invitae), Labcorp
Classification: Likely benign for Familial adenomatous polyposis 1. Last evaluated: 2025-12-28. Review status: criteria provided, single submitter. Criteria: Invitae Variant Classification Sherloc (09022015). Collection method: clinical testing. Allele origin: germline.

Ambry Genetics
Classification: Likely benign for Hereditary cancer-predisposing syndrome. Last evaluated: 2025-03-28. Review status: criteria provided, single submitter. Criteria: Ambry Variant Classification Scheme 2023. Collection method: clinical testing. Allele origin: germline.

Myriad Genetics, Inc.
Classification: Benign for Familial adenomatous polyposis 1. Last evaluated: 2024-04-11. Review status: criteria provided, single submitter. Criteria: Myriad Autosomal Dominant, Autosomal Recessive and X-Linked Classification Criteria (2023). Collection method: clinical testing. Allele origin: unknown.
Comment: This variant is considered benign. This variant is a silent/synonymous amino acid change and it is not expected to impact splicing.

All of Us Research Program, National Institutes of Health
Classification: Likely benign for Classic or attenuated familial adenomatous polyposis. Last evaluated: 2023-07-07. Review status: criteria provided, single submitter. Criteria: ACMG Guidelines, 2015. Collection method: clinical testing. Allele origin: germline. Inheritance: Autosomal dominant inheritance. Observed: 2 variant alleles, 2 heterozygotes.
Comment: This study involves interpretation of variants in research participants for the purpose of population health screening. Participant phenotype was not available at the time of variant classification. Additional details can be found in publication PMID: 35346344, PMCID: PMC8962531

Color Diagnostics, LLC DBA Color Health
Classification: Likely benign for Hereditary cancer-predisposing syndrome. Last evaluated: 2021-10-27. Review status: criteria provided, single submitter. Criteria: ACMG Guidelines, 2015. Collection method: clinical testing. Allele origin: germline.

NM_000038.6(APC):c.7818A>C (p.Val2606=)

Gene: APC (APC regulator of Wnt signaling pathway; plus strand). Cytogenetic location: 5q22.2.
Variant type: single nucleotide variant.
Coding change: c.7818A>C on transcript NM_000038.6 (MANE Select); coding-DNA position 7818, A replaced by C.
Protein change: p.Val2606=; no amino-acid change (valine 2606 retained).
Molecular consequence: synonymous variant.
Genome position (GRCh38, 1-based): chr5:112,843,412, A>C. VCF-style: chr5-112843412-A-C. GRCh37 (hg19) VCF-style: chr5-112179109-A-C.
Other names: c.7818A>C (NM_000038.5); c.7818A>C, p.Val2606= (NM_001127510.3, NM_001354895.2); c.7764A>C, p.Val2588= (NM_001127511.3); c.7872A>C, p.Val2624= (NM_001354896.2); c.7848A>C, p.Val2616= (NM_001354897.2); c.7743A>C, p.Val2581= (NM_001354898.2); c.7734A>C, p.Val2578= (NM_001354899.2); c.7440A>C, p.Val2480= (NM_001354904.2); and 6 more.
Identifiers: ClinVar variation 1130549 (VCV001130549.15), dbSNP rs1221514715, ClinGen allele CA446211261.